The following is an entry in ClinVar:

ClinVar aggregate classification (germline): Uncertain significance (1 of 4 stars; one submission).

gnomAD v4.1: 31 of 1,613,452 alleles (0.0019%); highest among the groups gnomAD compares: East Asian, 0.04%; no homozygotes.

Submission:

GeneDx
Classification: Uncertain significance. Last evaluated: 2024-09-25. Review status: criteria provided, single submitter. Criteria: GeneDx Variant Classification Process June 2021. Collection method: clinical testing. Allele origin: germline. Affected: yes.
Comment: In silico analysis indicates that this missense variant does not alter protein structure/function; Has not been previously published as pathogenic or benign to our knowledge

NM_016194.4(GNB5):c.816G>C (p.Gln272His)

Gene: GNB5 (G protein subunit beta 5; minus strand). Cytogenetic location: 15q21.2.
Variant type: single nucleotide variant.
Coding change: c.816G>C on transcript NM_016194.4 (MANE Select); coding-DNA position 816, G replaced by C.
Protein change: p.Gln272His; replaces glutamine 272 with histidine.
Molecular consequence: missense variant.
Genome position (GRCh38, 1-based): chr15:52,133,425, C>G on the plus strand (G>C on the coding strand, the complement: GNB5 is on the minus strand). VCF-style: chr15-52133425-C-G. GRCh37 (hg19) VCF-style: chr15-52425622-C-G.
Other names: c.534G>C, p.Gln178His (NM_001379343.1); c.690G>C, p.Gln230His (NM_006578.4); short protein forms Q178H, Q230H, Q272H.
Identifiers: ClinVar variation 3774812 (VCV003774812.1).